The following is an entry in ClinVar:

ClinVar aggregate classification (germline): Uncertain significance (1 of 4 stars; one submission).

gnomAD v4.1: 1 of 1,614,198 alleles (0.000062%); highest among the groups gnomAD compares: Non-Finnish European, 0.000085%; no homozygotes.

Submission:

Labcorp Genetics (formerly Invitae), Labcorp
Classification: Uncertain significance. Last evaluated: 2022-01-16. Review status: criteria provided, single submitter. Criteria: Invitae Variant Classification Sherloc (09022015). Collection method: clinical testing. Allele origin: germline.
Comment: In summary, the available evidence is currently insufficient to determine the role of this variant in disease. Therefore, it has been classified as a Variant of Uncertain Significance. Algorithms developed to predict the effect of missense changes on protein structure and function are either unavailable or do not agree on the potential impact of this missense change (SIFT: "Deleterious"; PolyPhen-2: "Possibly Damaging"; Align-GVGD: "Class C15"). This variant has not been reported in the literature in individuals affected with MYH3-related conditions. This variant is not present in population databases (gnomAD no frequency). This sequence change replaces leucine, which is neutral and non-polar, with phenylalanine, which is neutral and non-polar, at codon 1478 of the MYH3 protein (p.Leu1478Phe).

NM_002470.4(MYH3):c.4434G>C (p.Leu1478Phe)

Gene: MYH3 (myosin heavy chain 3; minus strand). Cytogenetic location: 17p13.1.
Variant type: single nucleotide variant.
Coding change: c.4434G>C on transcript NM_002470.4 (MANE Select); coding-DNA position 4434, G replaced by C.
Protein change: p.Leu1478Phe; replaces leucine 1478 with phenylalanine.
Molecular consequence: missense variant.
Genome position (GRCh38, 1-based): chr17:10,634,105, C>G on the plus strand (G>C on the coding strand, the complement: MYH3 is on the minus strand). VCF-style: chr17-10634105-C-G. GRCh37 (hg19) VCF-style: chr17-10537422-C-G.
Other names: short protein forms L1478F.
Identifiers: ClinVar variation 2086162 (VCV002086162.4), dbSNP rs2508578103, ClinGen allele CA398142898.
Genomic context (GRCh38, chr17:10,634,105, plus strand): 5'-AGTTTCAAGTTGATCTAAGGCTTCCTCGTAGGCATTTTTCAGTTTGAAGAGCTCAGTGCT[C>G]AAGGAGCGGGACTCCTTCAGGGATGCCTCCAGCTCTGCTTGGCTCTCCTCACACTTTGTC-3'
Protein context (NP_002461.2, residues 1468-1488): LEASLKESRS[Leu1478Phe]STELFKLKNA